The following is an entry in ClinVar:

NM_000026.4(ADSL):c.-56T>A

Gene: ADSL (adenylosuccinate lyase; plus strand). Cytogenetic location: 22q13.1.
Variant type: single nucleotide variant.
Coding change: c.-56T>A on transcript NM_000026.4 (MANE Select); 56 bases upstream of the start codon, T replaced by A.
Molecular consequence: 5 prime UTR variant. On other transcripts: non-coding transcript variant (1).
Genome position (GRCh38, 1-based): chr22:40,346,503, T>A. VCF-style: chr22-40346503-T-A. GRCh37 (hg19) VCF-style: chr22-40742507-T-A.
Other names: c.-56T>A (NM_001123378.3, NM_001363840.3); c.-193T>A (NM_001317923.2).
Identifiers: ClinVar variation 1409276 (VCV001409276.6), dbSNP rs1338979561, ClinGen allele CA753180139.

ClinVar aggregate classification (germline): Uncertain significance (1 of 4 stars; one submission).

Conditions:
Adenylosuccinate lyase deficiency (ADSLD). Also called: ADSL DEFICIENCY. Identifiers: Orphanet 46, MedGen C0268126, MONDO:0007068, OMIM 103050.

Allele frequency attached by ClinVar (database versions not stated): TOPMed below 0.00001; gnomAD 0.00001.
gnomAD v4.1: 2 of 1,551,734 alleles (0.00013%); highest among the groups gnomAD compares: Non-Finnish European, 0.00017%; no homozygotes.

Submission:

Labcorp Genetics (formerly Invitae), Labcorp
Classification: Uncertain significance for Adenylosuccinate lyase deficiency. Last evaluated: 2020-12-23. Review status: criteria provided, single submitter. Criteria: Invitae Variant Classification Sherloc (09022015). Collection method: clinical testing. Allele origin: germline.
Comment: This variant occurs in a non-coding region of the ADSL gene. It does not change the encoded amino acid sequence of the ADSL protein. The frequency data for this variant in the population databases is considered unreliable, as metrics indicate insufficient coverage at this position in the ExAC database. This variant has not been reported in the literature in individuals with ADSL-related conditions. Experimental studies and prediction algorithms are not available or were not evaluated, and the functional significance of this variant is currently unknown. In summary, the available evidence is currently insufficient to determine the role of this variant in disease. Therefore, it has been classified as a Variant of Uncertain Significance.